The following is an entry in ClinVar:

ClinVar aggregate classification (germline): Conflicting classifications of pathogenicity. Review status: criteria provided, conflicting classifications (1 of 4 stars). 2 submissions from 2 submitters: Uncertain significance (1); Likely benign (1). Last evaluated 2024-11-11.

Conditions:
Mitochondrial DNA depletion syndrome 13. Also called: FBXL4-Related Encephalomyopathic Mitochondrial DNA Depletion Syndrome; Mitochondrial DNA depletion syndrome 13 (encephalomyopathic type). Identifiers: Orphanet 369897, MedGen C3809592, MONDO:0014198, OMIM 615471.

Allele frequency attached by ClinVar (database versions not stated): TOPMed below 0.00001; gnomAD exomes 0.00001; ExAC 0.00002.
gnomAD v4.1: 4 of 1,611,994 alleles (0.00025%); highest among the groups gnomAD compares: Admixed American, 0.0067%; no homozygotes.

Submissions (2):

Labcorp Genetics (formerly Invitae), Labcorp
Classification: Likely benign. Last evaluated: 2024-11-11. Review status: criteria provided, single submitter. Criteria: Invitae Variant Classification Sherloc (09022015). Collection method: clinical testing. Allele origin: germline.

Wong Mito Lab, Molecular and Human Genetics, Baylor College of Medicine
Classification: Uncertain significance for Mitochondrial DNA depletion syndrome 13. Last evaluated: 2017-08-10. Review status: criteria provided, single submitter. Criteria: ACMG Guidelines, 2015. Collection method: reference population. Allele origin: germline.
Comment: The NM_012160.4:c.1389+13G>C (NP_036292.2:p.=) [GRCH38: NC_000006.12:g.98880540C>G] variant in FBXL4 gene is interpretated to be a Uncertain Significance - Insufficient Evidence based on ACMG guidelines (PMID: 25741868). This variant meets one or more of the following evidence codes reported in the ACMG-guideline. PM2:This variant is absent in key population databases. Based on this evidence code ClinGen Pathogenicity Calculator (PMID:28081714) suggested that the variant is Uncertain Significance - Insufficient Evidence.

NM_001278716.2(FBXL4):c.1389+13G>C

Gene: FBXL4 (F-box and leucine rich repeat protein 4; minus strand). Cytogenetic location: 6q16.1.
Variant type: single nucleotide variant.
Coding change: c.1389+13G>C on transcript NM_001278716.2 (MANE Select); 13 bases into the intron after coding-DNA position 1389, G replaced by C.
Molecular consequence: intron variant.
Genome position (GRCh38, 1-based): chr6:98,880,540, C>G on the plus strand (G>C on the coding strand, the complement: FBXL4 is on the minus strand). VCF-style: chr6-98880540-C-G. GRCh37 (hg19) VCF-style: chr6-99328416-C-G.
Other names: c.1389+13G>C (NM_012160.5).
Identifiers: ClinVar variation 437748 (VCV000437748.5), dbSNP rs768430744, ClinGen allele CA3933459.